The following is an entry in ClinVar:

ClinVar aggregate classification (germline): Likely benign (0 of 4 stars; one submission).

Conditions:
TSHZ3-related disorder. Also called: TSHZ3-related condition.

Allele frequency attached by ClinVar (database versions not stated): TOPMed 0.00020; gnomAD 0.00028; ESP Exome Variant Server 0.00031; gnomAD exomes 0.00034; ExAC 0.00036.
gnomAD v4.1: 532 of 1,612,750 alleles (0.033%); highest among the groups gnomAD compares: Non-Finnish European, 0.042%; no homozygotes.

Submission:

PreventionGenetics, part of Exact Sciences
Classification: Likely benign for TSHZ3-related condition. Last evaluated: 2019-06-24. Review status: no assertion criteria provided. Collection method: clinical testing. Allele origin: germline.
Comment: This variant is classified as likely benign based on ACMG/AMP sequence variant interpretation guidelines (Richards et al. 2015 PMID: 25741868, with internal and published modifications).

NM_020856.4(TSHZ3):c.3144G>A (p.Arg1048=)

Gene: TSHZ3 (teashirt zinc finger homeobox 3; minus strand). Cytogenetic location: 19q12.
Variant type: single nucleotide variant.
Coding change: c.3144G>A on transcript NM_020856.4 (MANE Select); coding-DNA position 3144, G replaced by A.
Protein change: p.Arg1048=; no amino-acid change (arginine 1048 retained).
Molecular consequence: synonymous variant.
Genome position (GRCh38, 1-based): chr19:31,276,649, C>T on the plus strand (G>A on the coding strand, the complement: TSHZ3 is on the minus strand). VCF-style: chr19-31276649-C-T. GRCh37 (hg19) VCF-style: chr19-31767555-C-T.
Identifiers: ClinVar variation 3042811 (VCV003042811.2), dbSNP rs148486984, ClinGen allele CA9353923.
Genomic context (GRCh38, chr19:31,276,649, plus strand): 5'-CGGAGATTTCCCGTGTGTTTTGCTAAGGTGAAGTTTAACAGCGTGCTTGCTGGCAAAGGT[C>T]CGATTGCAAAGTTTGCACTGATAGGAAGTCCCCAGGTCTTCCTCGGGGGAGGACGTCACC-3'
Protein context (NP_065907.2, residues 1038-1058): GTSYQCKLCN[Arg1048=]TFASKHAVKL